The following is an entry in ClinVar:

ClinVar aggregate classification (germline): Uncertain significance (1 of 4 stars; one submission).

Allele frequency attached by ClinVar (database versions not stated): gnomAD 0.00001; gnomAD exomes 0.00001 and 0.00002; ExAC 0.00002; TOPMed 0.00002.
gnomAD v4.1: 16 of 1,613,980 alleles (0.00099%); highest among the groups gnomAD compares: Non-Finnish European, 0.0014%; no homozygotes.

Submission:

GeneDx
Classification: Uncertain significance. Last evaluated: 2017-07-14. Review status: criteria provided, single submitter. Criteria: GeneDx Variant Classification (06012015). Collection method: clinical testing. Allele origin: germline. Affected: yes.
Comment: The I819N variant in the ZNF423 gene has not been reported previously as a pathogenic variant, nor as a benign variant, to our knowledge. The I819N variant is not observed at a significant frequency in large population cohorts (Lek et al., 2016; 1000 Genomes Consortium et al., 2015; Exome Variant Server). The I819N variant is a non-conservative amino acid substitution, which is likely to impact secondary protein structure as these residues differ in polarity, charge, size and/or other properties. This substitution occurs at a position where amino acids with similar properties to Isoleucine are tolerated across species. In silico analysis is inconsistent in its predictions as to whether or not the variant is damaging to the protein structure/function. We interpret I819N as a variant of uncertain significance.

NM_001379286.1(ZNF423):c.2480T>A (p.Ile827Asn)

Gene: ZNF423 (zinc finger protein 423; minus strand). Cytogenetic location: 16q12.1.
Variant type: single nucleotide variant.
Coding change: c.2480T>A on transcript NM_001379286.1 (MANE Select); coding-DNA position 2480, T replaced by A.
Protein change: p.Ile827Asn; replaces isoleucine 827 with asparagine.
Molecular consequence: missense variant.
Genome position (GRCh38, 1-based): chr16:49,636,696, A>T on the plus strand (T>A on the coding strand, the complement: ZNF423 is on the minus strand). VCF-style: chr16-49636696-A-T. GRCh37 (hg19) VCF-style: chr16-49670607-A-T.
Other names: c.2276T>A, p.Ile759Asn (NM_001271620.2); c.2105T>A, p.Ile702Asn (NM_001330533.2); c.2456T>A, p.Ile819Asn (NM_015069.5); short protein forms I759N, I819N, I702N, I827N.
Identifiers: ClinVar variation 450243 (VCV000450243.2), dbSNP rs529454153, ClinGen allele CA8046498.